The following is an entry in ClinVar:

NM_001110556.2(FLNA):c.1093A>G (p.Ile365Val)

Gene: FLNA (filamin A; minus strand). Cytogenetic location: Xq28.
Variant type: single nucleotide variant.
Coding change: c.1093A>G on transcript NM_001110556.2 (MANE Select); coding-DNA position 1093, A replaced by G.
Protein change: p.Ile365Val; replaces isoleucine 365 with valine.
Molecular consequence: missense variant.
Genome position (GRCh38, 1-based): chrX:154,366,443, T>C on the plus strand (A>G on the coding strand, the complement: FLNA is on the minus strand). VCF-style: chrX-154366443-T-C. GRCh37 (hg19) VCF-style: chrX-153594811-T-C.
Other names: c.1093A>G (NM_001110556.1, NM_001456.3); c.1093A>G, p.Ile365Val (NM_001456.4); short protein forms I365V.
Identifiers: ClinVar variation 2948090 (VCV002948090.6), dbSNP rs376891541, ClinGen allele CA10561262.

ClinVar aggregate classification (germline): Conflicting classifications of pathogenicity. Review status: criteria provided, conflicting classifications (1 of 4 stars). 3 submissions from 3 submitters: Uncertain significance (1); Benign (1). 1 of the submissions does not count toward it. Last evaluated 2025-09-30.

Conditions:
Oto-palato-digital syndrome, type II (OPD2). Also called: FACIOPALATOOSSEOUS SYNDROME; OPD II SYNDROME; Otopalatodigital Syndrome, Type II; Otopalatodigital Syndrome Type 2 (FLNA-OPD2). Identifiers: Orphanet 669, Orphanet 90652, MedGen C1844696, MONDO:0010571, OMIM 304120.
Heterotopia, periventricular, X-linked dominant (PVNH1). Also called: PERIVENTRICULAR NODULAR HETEROTOPIA 1; X-linked periventricular heterotopia; PERIVENTRICULAR NODULAR HETEROTOPIA 4; HETEROTOPIA, PERIVENTRICULAR, 1. Identifiers: Orphanet 2149, Orphanet 82004, MedGen C1848213, MONDO:0010233, OMIM 300049.
Frontometaphyseal dysplasia (FMD1). Identifiers: Orphanet 1826, MedGen C0265293, MONDO:0015942.
Melnick-Needles syndrome (MNS). Also called: MELNICK-NEEDLES OSTEODYSPLASTY; OSTEODYSPLASTY OF MELNICK AND NEEDLES; Melnick-Needles Syndrome (FLNA-MNS). Identifiers: Orphanet 2484, MedGen C0025237, MONDO:0010650, OMIM 309350.
FLNA-related disorder.
Familial thoracic aortic aneurysm and aortic dissection (TAAD). Also called: Thoracic aortic aneurysms and dissections. Identifiers: Orphanet 91387, MedGen C4707243, MONDO:0019625.

Allele frequency attached by ClinVar (database versions not stated): gnomAD exomes below 0.00001; ExAC 0.00002; gnomAD 0.00008; TOPMed 0.00008; ESP Exome Variant Server 0.00020.
gnomAD v4.1: 14 of 1,210,083 alleles (0.0012%); highest among the groups gnomAD compares: African/African-American, 0.024%; no homozygotes.

Submissions (3):

Labcorp Genetics (formerly Invitae), Labcorp
Classification: Benign for Oto-palato-digital syndrome, type II; Heterotopia, periventricular, X-linked dominant; Frontometaphyseal dysplasia; Melnick-Needles syndrome. Last evaluated: 2025-09-30. Review status: criteria provided, single submitter. Criteria: Invitae Variant Classification Sherloc (09022015). Collection method: clinical testing. Allele origin: germline.

Ambry Genetics
Classification: Uncertain significance for Familial thoracic aortic aneurysm and aortic dissection. Last evaluated: 2025-04-15. Review status: criteria provided, single submitter. Criteria: Ambry Variant Classification Scheme 2023. Collection method: clinical testing. Allele origin: germline.
Comment: The p.I365V variant (also known as c.1093A>G), located in coding exon 7 of the FLNA gene, results from an A to G substitution at nucleotide position 1093. The isoleucine at codon 365 is replaced by valine, an amino acid with highly similar properties. This amino acid position is highly conserved in available vertebrate species. In addition, this alteration is predicted to be tolerated by in silico analysis. Based on data from gnomAD, the G allele has an overall frequency of 0.0020% (4/202751) total alleles studied, with no hemizygote(s) observed. The highest observed frequency was 0.0219% (4/18238) of African/African American alleles. Based on the available evidence, the clinical significance of this variant remains unclear.

PreventionGenetics, part of Exact Sciences
Classification: Uncertain significance for FLNA-related condition. Last evaluated: 2024-02-29. Review status: no assertion criteria provided. Collection method: clinical testing. Allele origin: germline. Not counted in ClinVar's aggregate classification.
Comment: The FLNA c.1093A>G variant is predicted to result in the amino acid substitution p.Ile365Val. To our knowledge, this variant has not been reported in the literature. This variant is reported in 0.022% of alleles in individuals of African descent in gnomAD. At this time, the clinical significance of this variant is uncertain due to the absence of conclusive functional and genetic evidence.